The following is an entry in ClinVar:

ClinVar aggregate classification (germline): Likely benign. Review status: criteria provided, multiple submitters, no conflicts (2 of 4 stars). 3 submissions from 3 submitters: Likely benign (3). Last evaluated 2026-01-22.

Conditions:
POLR3A-related disorder. Also called: POLR3A-related condition; POLR3A-related disorders. Identifiers: MedGen CN378587, MONDO:0700276.

Allele frequency attached by ClinVar (database versions not stated): ExAC 0.00001; gnomAD 0.00001; gnomAD exomes 0.00002; ESP Exome Variant Server 0.00008.

Submissions (3):

PreventionGenetics, part of Exact Sciences
Classification: Likely benign for POLR3A-related condition. Last evaluated: 2026-01-22. Review status: criteria provided, single submitter. Criteria: ACMG Guidelines, 2015. Collection method: clinical testing. Allele origin: germline.
Comment: This variant is classified as likely benign based on ACMG/AMP sequence variant interpretation guidelines (Richards et al. 2015 PMID: 25741868, with internal and published modifications).

CeGaT Center for Human Genetics Tuebingen
Classification: Likely benign. Last evaluated: 2022-08-01. Review status: criteria provided, single submitter. Criteria: CeGaT Center For Human Genetics Tuebingen Variant Classification Criteria Version 2. Collection method: clinical testing. Allele origin: germline. Affected: yes. Observed: 1 variant allele.
Comment: POLR3A: BP4, BP7

Labcorp Genetics (formerly Invitae), Labcorp
Classification: Likely benign. Last evaluated: 2022-03-19. Review status: criteria provided, single submitter. Criteria: Invitae Variant Classification Sherloc (09022015). Collection method: clinical testing. Allele origin: germline.

NM_007055.4(POLR3A):c.3972G>A (p.Thr1324=)

Gene: POLR3A (RNA polymerase III subunit A; minus strand). Cytogenetic location: 10q22.3.
Variant type: single nucleotide variant.
Coding change: c.3972G>A on transcript NM_007055.4 (MANE Select); coding-DNA position 3972, G replaced by A.
Protein change: p.Thr1324=; no amino-acid change (threonine 1324 retained).
Molecular consequence: synonymous variant.
Genome position (GRCh38, 1-based): chr10:77,980,193, C>T on the plus strand (G>A on the coding strand, the complement: POLR3A is on the minus strand). VCF-style: chr10-77980193-C-T. GRCh37 (hg19) VCF-style: chr10-79739951-C-T.
Other names: c.3972G>A (NM_007055.3).
Identifiers: ClinVar variation 1935436 (VCV001935436.30), dbSNP rs142749003, ClinGen allele CA5570637.